The following is an entry in ClinVar:

ClinVar aggregate classification (germline): Pathogenic (1 of 4 stars; one submission).

Conditions:
Ehlers-Danlos syndrome due to tenascin-X deficiency (EDSCLL1). Also called: EDS DUE TO TNX DEFICIENCY; TNX DEFICIENCY; Ehlers-Danlos syndrome, classic-like, 1; EHLERS-DANLOS SYNDROME, CLASSIC-LIKE; TNXB-Related Classical-Like Ehlers-Danlos Syndrome. Identifiers: Orphanet 230839, MedGen C1848029, MONDO:0011670, OMIM 606408.

Submission:

Myriad Genetics, Inc.
Classification: Pathogenic for Ehlers-Danlos syndrome due to tenascin-X deficiency. Last evaluated: 2025-12-23. Review status: criteria provided, single submitter. Criteria: Myriad Autosomal Dominant, Autosomal Recessive and X-Linked Classification Criteria (2023). Collection method: clinical testing. Allele origin: unknown.
Comment: NM_019105.6(TNXB):c.3222dupC(S1075Lfs*16) is expected to be pathogenic in the context of classical-like Ehlers-Danlos syndrome, TNXB-related. This variant is predicted to lead to an abnormal or absent protein product due to the creation of a premature termination codon in TNXB, a gene where loss-of-function variants are known to be pathogenic. Please note: this variant was assessed in the context of healthy population screening.

NM_001365276.2(TNXB):c.3222dup (p.Ser1075fs)

Gene: TNXB (tenascin XB; minus strand). Cytogenetic location: 6p21.33.
Variant type: Duplication.
Coding change: c.3222dup on transcript NM_001365276.2 (MANE Select); coding-DNA position 3222, one base duplicated (C; older notation c.3222dupC).
Protein change: p.Ser1075fs; shifts the reading frame from serine 1075.
Molecular consequence: frameshift variant.
Genome position (GRCh38, 1-based): chr6:32,084,636, G duplicated on the plus strand (C on the coding strand, the reverse complement: TNXB is on the minus strand); the first of 2 consecutive G bases (chr6:32,084,636-32,084,637); duplicating either gives the same sequence. VCF-style (leftmost placement, unchanged base first): chr6-32084635-A-AG. GRCh37 (hg19) VCF-style: chr6-32052412-A-AG.
Other names: c.3963dup, p.Ser1322fs (NM_001428335.1); c.3222dup, p.Ser1075fs (NM_019105.8); short protein forms S1075fs, S1322fs.
Identifiers: ClinVar variation 5015359 (VCV005015359.1).
Genomic context (GRCh38, chr6:32,084,635, plus strand): 5'-GGATCACGAAGGAGTCAAACTCGCCCTCGGGGACCGTCCAGCGCAGGAGCAAGGAGTCGG[A>AG]GGTCCTGTCTGTCACCGTCAGCTCACCCAGGCGTGGTGGGCCTGAGGACTTCCCAGGCTT-3'